The following is an entry in ClinVar:

NM_023067.4(FOXL2):c.303C>G (p.Ser101Arg)

Gene: FOXL2 (forkhead box L2; minus strand). Cytogenetic location: 3q22.3.
Variant type: single nucleotide variant.
Coding change: c.303C>G on transcript NM_023067.4 (MANE Select); coding-DNA position 303, C replaced by G.
Protein change: p.Ser101Arg; replaces serine 101 with arginine.
Molecular consequence: missense variant.
Genome position (GRCh38, 1-based): chr3:138,946,420, G>C on the plus strand (C>G on the coding strand, the complement: FOXL2 is on the minus strand). VCF-style: chr3-138946420-G-C. GRCh37 (hg19) VCF-style: chr3-138665262-G-C.
Other names: short protein forms S101R.
Identifiers: ClinVar variation 369899 (VCV000369899.1), dbSNP rs1057516151, ClinGen allele CA10654895.

ClinVar aggregate classification (germline): Likely pathogenic (1 of 4 stars; one submission).

Conditions:
Blepharophimosis, ptosis, and epicanthus inversus syndrome. Identifiers: Orphanet 126, MedGen C0220663, MONDO:0007201, OMIM 110100.

Submission:

Genomic Diagnostic Laboratory, Division of Genomic Diagnostics, Children's Hospital of Philadelphia
Classification: Likely pathogenic for Blepharophimosis, ptosis, and epicanthus inversus syndrome. Last evaluated: 2016-11-03. Review status: criteria provided, single submitter. Criteria: DGD Variant Analysis Guidelines. Collection method: clinical testing. Allele origin: germline. Affected: yes. Observed: 1 variant allele.
Comment: Clinical Testing